The following is an entry in ClinVar:

NM_022552.5(DNMT3A):c.640-3694A>G

Gene: DNMT3A (DNA methyltransferase 3 alpha; minus strand). Cytogenetic location: 2p23.3.
Variant type: single nucleotide variant.
Coding change: c.640-3694A>G on transcript NM_022552.5 (MANE Select); 3694 bases into the intron before coding-DNA position 640, A replaced by G.
Molecular consequence: intron variant. On other transcripts: missense variant (1).
Genome position (GRCh38, 1-based): chr2:25,251,946, T>C on the plus strand (A>G on the coding strand, the complement: DNMT3A is on the minus strand). VCF-style: chr2-25251946-T-C. GRCh37 (hg19) VCF-style: chr2-25474815-T-C.
Other names: c.149A>G, p.Asp50Gly (NM_001320893.1); c.640-3694A>G (NM_175629.2); c.4+248A>G (NM_153759.3); c.-31+248A>G (NM_001375819.1); short protein forms D50G.
Identifiers: ClinVar variation 4986889 (VCV004986889.1).
Genomic context (GRCh38, chr2:25,251,946, plus strand): 5'-CTCCGCGTGCCCCAGCCTGCAGTTACCACTGCCCGGGCTCCCGGCCGGCTGCTCTTCCTG[T>C]CCCCCGAGGGCGCCAGGTGCCACTGGAGCCCTCGAGGAGTGGGGCCTTGGGGCTCGTGGG-3'

ClinVar aggregate classification (germline): Uncertain significance (1 of 4 stars; one submission).

Conditions:
DNMT3A-related disorder. Also called: DNMT3A-related condition; DNMT3A-related disorders.

Submission:

PreventionGenetics, part of Exact Sciences
Classification: Uncertain significance for DNMT3A-related condition. Last evaluated: 2025-10-09. Review status: criteria provided, single submitter. Criteria: ACMG Guidelines, 2015. Collection method: clinical testing. Allele origin: germline.
Comment: The DNMT3A c.149A>G variant is predicted to result in the amino acid substitution p.Asp50Gly. To our knowledge, this variant has not been reported in the literature or in a large population database (gnomAD), indicating this variant is rare. At this time, the clinical significance of this variant is uncertain due to the absence of conclusive functional and genetic evidence.